The following is an entry in ClinVar:

ClinVar aggregate classification (germline): Uncertain significance (1 of 4 stars; one submission).

Submission:

Labcorp Genetics (formerly Invitae), Labcorp
Classification: Uncertain significance. Last evaluated: 2022-07-21. Review status: criteria provided, single submitter. Criteria: Invitae Variant Classification Sherloc (09022015). Collection method: clinical testing. Allele origin: germline.
Comment: In summary, the available evidence is currently insufficient to determine the role of this variant in disease. Therefore, it has been classified as a Variant of Uncertain Significance. Experimental studies and prediction algorithms are not available or were not evaluated, and the functional significance of this variant is currently unknown. This variant has not been reported in the literature in individuals affected with ALPK3-related conditions. This variant is not present in population databases (gnomAD no frequency). This variant, c.636_669delins61, is a complex sequence change that results in the deletion of 9 and insertion of 18 amino acid(s) in the ALPK3 protein (p.Trp213_Ala221delins18).

NM_020778.5(ALPK3):c.30_63delinsGTCGGGTCGGGGCTGGGTCGGGGCTGGGTCGGGGGCGGGGGGCGACGGTGAGGACGGTGGG (p.Trp11_Ala19delinsSerGlyArgGlyTrpValGlyAlaGlySerGlyAlaGlyGlyAspGlyGluAsp)

Gene: ALPK3 (alpha kinase 3; plus strand). Cytogenetic location: 15q25.3.
Variant type: Indel.
Coding change: c.30_63delinsGTCGGGTCGGGGCTGGGTCGGGGCTGGGTCGGGGGCGGGGGGCGACGGTGAGGACGGTGGG on transcript NM_020778.5 (MANE Select); coding-DNA positions 30 to 63, the reference bases replaced by an inserted sequence.
Protein change: p.Trp11_Ala19delinsSerGlyArgGlyTrpValGlyAlaGlySerGlyAlaGlyGlyAspGlyGluAsp.
Molecular consequence: inframe indel.
Genome position (GRCh38, 1-based): chr15:84,817,482-84,817,515, 34 bases replaced. GRCh37 (hg19): chr15:85,360,713-85,360,746.
Identifiers: ClinVar variation 2018642 (VCV002018642.4), dbSNP rs2505689145, ClinGen allele CA2580090110.